The following is an entry in ClinVar:

NM_031220.4(PITPNM3):c.901-10G>C

Gene: PITPNM3 (PITPNM family member 3; minus strand). Cytogenetic location: 17p13.2.
Variant type: single nucleotide variant.
Coding change: c.901-10G>C on transcript NM_031220.4 (MANE Select); 10 bases into the intron before coding-DNA position 901, G replaced by C.
Molecular consequence: intron variant.
Genome position (GRCh38, 1-based): chr17:6,477,223, C>G on the plus strand (G>C on the coding strand, the complement: PITPNM3 is on the minus strand). VCF-style: chr17-6477223-C-G. GRCh37 (hg19) VCF-style: chr17-6380543-C-G.
Other names: c.793-10G>C (NM_001165966.2).
Identifiers: ClinVar variation 96202 (VCV000096202.21), dbSNP rs77580616, ClinGen allele CA149355.

ClinVar aggregate classification (germline): Benign. Review status: criteria provided, multiple submitters, no conflicts (2 of 4 stars). 6 submissions from 6 submitters: Benign (6). Last evaluated 2026-01-26.

Conditions:
Cone-rod dystrophy 5 (CORD5). Identifiers: Orphanet 1872, MedGen C1832976, MONDO:0010969, OMIM 600977.

Allele frequency attached by ClinVar (database versions not stated): ESP Exome Variant Server 0.00438; gnomAD 0.00927 and 0.01198; TOPMed 0.01049; gnomAD exomes 0.02144; ExAC 0.02174; 1000 Genomes Project 30x 0.03654; 1000 Genomes Project 0.03934.
gnomAD v4.1: 20,158 of 1,613,364 alleles (1.2%); highest among the groups gnomAD compares: East Asian, 16%; 781 homozygotes.

Submissions (6):

Labcorp Genetics (formerly Invitae), Labcorp
Classification: Benign. Last evaluated: 2026-01-26. Review status: criteria provided, single submitter. Criteria: Invitae Variant Classification Sherloc (09022015). Collection method: clinical testing. Allele origin: germline.

GeneDx
Classification: Benign. Last evaluated: 2018-08-30. Review status: criteria provided, single submitter. Criteria: GeneDx Variant Classification Process June 2021. Collection method: clinical testing. Allele origin: germline. Affected: yes.

Illumina Laboratory Services, Illumina
Classification: Benign for Cone-rod dystrophy 5. Last evaluated: 2018-01-13. Review status: criteria provided, single submitter. Criteria: ICSL Variant Classification Criteria 13 December 2019. Collection method: clinical testing. Allele origin: germline.
Comment: This variant was observed in the ICSL laboratory as part of a predisposition screen in an ostensibly healthy population. It had not been previously curated by ICSL or reported in the Human Gene Mutation Database (HGMD: prior to June 1st, 2018), and was therefore a candidate for classification through an automated scoring system. Utilizing variant allele frequency, disease prevalence and penetrance estimates, and inheritance mode, an automated score was calculated to assess if this variant is too frequent to cause the disease. Based on the score and internal cut-off values, a variant classified as benign is not then subjected to further curation. The score for this variant resulted in a classification of benign for this disease.

Eurofins Ntd Llc (ga)
Classification: Benign. Last evaluated: 2013-08-30. Review status: criteria provided, single submitter. Criteria: EGL Classification Definitions 2015. Collection method: clinical testing. Allele origin: germline. Observed: 3 variant alleles, 3 heterozygotes.

Breakthrough Genomics
Classification: Benign. Review status: criteria provided, single submitter. Criteria: ACMG Guidelines, 2015. Collection method: not provided. Allele origin: germline. Inheritance: Autosomal dominant inheritance. Affected: yes.

PreventionGenetics, part of Exact Sciences
Classification: Benign. Review status: criteria provided, single submitter. Criteria: ACMG Guidelines, 2015. Collection method: clinical testing. Allele origin: germline.